The following is an entry in ClinVar:

NM_001394998.1(TANC2):c.4795C>T (p.Arg1599Cys)

Gene: TANC2 (tetratricopeptide repeat, ankyrin repeat and coiled-coil containing 2; plus strand). Cytogenetic location: 17q23.3.
Variant type: single nucleotide variant.
Coding change: c.4795C>T on transcript NM_001394998.1 (MANE Select); coding-DNA position 4795, C replaced by T.
Protein change: p.Arg1599Cys; replaces arginine 1599 with cysteine.
Molecular consequence: missense variant.
Genome position (GRCh38, 1-based): chr17:63,420,525, C>T. VCF-style: chr17-63420525-C-T. GRCh37 (hg19) VCF-style: chr17-61497886-C-T.
Other names: c.4573C>T, p.Arg1525Cys (NM_001411076.1); c.4543C>T, p.Arg1515Cys (NM_025185.4); short protein forms R1515C, R1525C, R1599C.
Identifiers: ClinVar variation 3252241 (VCV003252241.1), dbSNP rs771184998.

ClinVar aggregate classification (germline): Uncertain significance (1 of 4 stars; one submission).

Allele frequency attached by ClinVar (database versions not stated): gnomAD exomes 0.00002.
gnomAD v4.1: 26 of 1,613,896 alleles (0.0016%); highest among the groups gnomAD compares: Non-Finnish European, 0.0021%; no homozygotes.

Submission:

GeneDx
Classification: Uncertain significance. Last evaluated: 2023-10-02. Review status: criteria provided, single submitter. Criteria: GeneDx Variant Classification Process June 2021. Collection method: clinical testing. Allele origin: germline. Affected: yes.
Comment: In silico analysis supports that this missense variant does not alter protein structure/function; Has not been previously published as pathogenic or benign to our knowledge